The following is an entry in ClinVar:

ClinVar aggregate classification (germline): Uncertain significance. Review status: criteria provided, multiple submitters, no conflicts (2 of 4 stars). 2 submissions from 2 submitters: Uncertain significance (2). Last evaluated 2025-07-17.

Conditions:
DOCK8-related disorder. Also called: DOCK8-related condition.
Combined immunodeficiency due to DOCK8 deficiency (HIES2). Also called: DOCK8 Deficiency; HYPER-IgE SYNDROME 2, AUTOSOMAL RECESSIVE, WITH RECURRENT INFECTIONS; HYPER-IgE RECURRENT INFECTION SYNDROME 2, AUTOSOMAL RECESSIVE; HIES autosomal recessive; Hyper-IgE recurrent infection syndrome, autosomal recessive. Identifiers: Orphanet 217390, MedGen C4722305, MONDO:0009478, OMIM 243700.

Allele frequency attached by ClinVar (database versions not stated): TOPMed 0.00007; 1000 Genomes Project 30x 0.00016.
gnomAD v4.1: 178 of 1,613,980 alleles (0.011%); highest among the groups gnomAD compares: South Asian, 0.025%; no homozygotes.

Submissions (2):

PreventionGenetics, part of Exact Sciences
Classification: Uncertain significance for DOCK8-related condition. Last evaluated: 2025-07-17. Review status: criteria provided, single submitter. Criteria: ACMG Guidelines, 2015. Collection method: clinical testing. Allele origin: germline.
Comment: The DOCK8 c.2017A>G variant is predicted to result in the amino acid substitution p.Ile673Val. To our knowledge, this variant has not been reported in the literature. This variant is reported in 0.033% of alleles in individuals of South Asian descent in gnomAD. At this time, the clinical significance of this variant is uncertain due to the absence of conclusive functional and genetic evidence.

Labcorp Genetics (formerly Invitae), Labcorp
Classification: Uncertain significance for Combined immunodeficiency due to DOCK8 deficiency. Last evaluated: 2022-08-31. Review status: criteria provided, single submitter. Criteria: Invitae Variant Classification Sherloc (09022015). Collection method: clinical testing. Allele origin: germline.
Comment: This sequence change replaces isoleucine, which is neutral and non-polar, with valine, which is neutral and non-polar, at codon 673 of the DOCK8 protein (p.Ile673Val). This variant is present in population databases (rs372858877, gnomAD 0.03%). This variant has not been reported in the literature in individuals affected with DOCK8-related conditions. ClinVar contains an entry for this variant (Variation ID: 646337). Algorithms developed to predict the effect of missense changes on protein structure and function output the following: SIFT: "Tolerated"; PolyPhen-2: "Benign"; Align-GVGD: "Class C0". The valine amino acid residue is found in multiple mammalian species, which suggests that this missense change does not adversely affect protein function. Algorithms developed to predict the effect of sequence changes on RNA splicing suggest that this variant may create or strengthen a splice site. In summary, the available evidence is currently insufficient to determine the role of this variant in disease. Therefore, it has been classified as a Variant of Uncertain Significance.

NM_203447.4(DOCK8):c.2017A>G (p.Ile673Val)

Gene: DOCK8 (dedicator of cytokinesis 8; plus strand). Cytogenetic location: 9p24.3.
Variant type: single nucleotide variant.
Coding change: c.2017A>G on transcript NM_203447.4 (MANE Select); coding-DNA position 2017, A replaced by G.
Protein change: p.Ile673Val; replaces isoleucine 673 with valine.
Molecular consequence: missense variant.
Genome position (GRCh38, 1-based): chr9:372,194, A>G. VCF-style: chr9-372194-A-G. GRCh37 (hg19) VCF-style: chr9-372194-A-G.
Other names: c.1813A>G, p.Ile605Val (NM_001190458.2, NM_001193536.2); short protein forms I673V, I605V.
Identifiers: ClinVar variation 646337 (VCV000646337.7), dbSNP rs372858877, ClinGen allele CA4958049.